The following is an entry in ClinVar:

NM_000059.4(BRCA2):c.7018G>A (p.Glu2340Lys)

Gene: BRCA2 (BRCA2 DNA repair associated; plus strand). Cytogenetic location: 13q13.1.
Variant type: single nucleotide variant.
Coding change: c.7018G>A on transcript NM_000059.4 (MANE Select); coding-DNA position 7018, G replaced by A.
Protein change: p.Glu2340Lys; replaces glutamic acid 2340 with lysine.
Molecular consequence: missense variant. On other transcripts: non-coding transcript variant (1).
Genome position (GRCh38, 1-based): chr13:32,354,871, G>A. VCF-style: chr13-32354871-G-A. GRCh37 (hg19) VCF-style: chr13-32929008-G-A.
Other names: c.6922G>A, p.Glu2308Lys (NM_001406719.1); c.7018G>A, p.Glu2340Lys (NM_001406720.1, NM_001432077.1); c.2086G>A, p.Glu696Lys (NM_001406721.1); c.601G>A, p.Glu201Lys (NM_001406722.1); short protein forms E2308K, E2340K, E201K, E696K.
Identifiers: ClinVar variation 3636515 (VCV003636515.3).

ClinVar aggregate classification (germline): Uncertain significance. Review status: criteria provided, multiple submitters, no conflicts (2 of 4 stars). 2 submissions from 2 submitters: Uncertain significance (2). Last evaluated 2025-09-25.

Conditions:
Hereditary breast ovarian cancer syndrome. Also called: Hereditary breast and ovarian cancer syndrome; Hereditary breast and ovarian cancer syndrome (HBOC); BRCA1- and BRCA2-Associated Hereditary Breast and Ovarian Cancer; Hereditary breast and ovarian cancer; Breast and ovarian cancer; Hereditary breast and/or ovarian cancer syndrome. Identifiers: Orphanet 145, MedGen C0677776, MeSH D061325, MONDO:0003582. Disease mechanism: loss of function.
Hereditary cancer-predisposing syndrome. Also called: Neoplastic Syndromes, Hereditary; Tumor predisposition; Hereditary Cancer Syndrome; Hereditary neoplastic syndrome. Identifiers: Orphanet 140162, MedGen C0027672, MeSH D009386, MONDO:0015356.

Submissions (2):

Ambry Genetics
Classification: Uncertain significance for Hereditary cancer-predisposing syndrome. Last evaluated: 2025-09-25. Review status: criteria provided, single submitter. Criteria: Ambry Variant Classification Scheme 2023. Collection method: clinical testing. Allele origin: germline.
Comment: The p.E2340K variant (also known as c.7018G>A), located in coding exon 13 of the BRCA2 gene, results from a G to A substitution at nucleotide position 7018. The glutamic acid at codon 2340 is replaced by lysine, an amino acid with similar properties. This amino acid position is not well conserved in available vertebrate species. In addition, this alteration is predicted to be tolerated by in silico analysis. Based on the available evidence, the clinical significance of this variant remains unclear.

Labcorp Genetics (formerly Invitae), Labcorp
Classification: Uncertain significance for Hereditary breast ovarian cancer syndrome. Last evaluated: 2024-03-10. Review status: criteria provided, single submitter. Criteria: Invitae Variant Classification Sherloc (09022015). Collection method: clinical testing. Allele origin: germline.
Comment: This sequence change replaces glutamic acid, which is acidic and polar, with lysine, which is basic and polar, at codon 2340 of the BRCA2 protein (p.Glu2340Lys). This variant is not present in population databases (gnomAD no frequency). This variant has not been reported in the literature in individuals affected with BRCA2-related conditions. Advanced modeling of protein sequence and biophysical properties (such as structural, functional, and spatial information, amino acid conservation, physicochemical variation, residue mobility, and thermodynamic stability) performed at Invitae indicates that this missense variant is not expected to disrupt BRCA2 protein function with a negative predictive value of 95%. In summary, the available evidence is currently insufficient to determine the role of this variant in disease. Therefore, it has been classified as a Variant of Uncertain Significance.